The following is an entry in ClinVar:

ClinVar aggregate classification (germline): Uncertain significance (1 of 4 stars; one submission).

gnomAD v4.1: 3 of 1,546,080 alleles (0.00019%); highest among the groups gnomAD compares: Non-Finnish European, 0.00026%; no homozygotes.

Submission:

Ambry Genetics
Classification: Uncertain significance. Last evaluated: 2026-02-23. Review status: criteria provided, single submitter. Criteria: Ambry Variant Classification Scheme 2023. Collection method: clinical testing. Allele origin: germline.
Comment: The p.L598F variant (also known as c.1792C>T), located in coding exon 7 of the WNK2 gene, results from a C to T substitution at nucleotide position 1792. The leucine at codon 598 is replaced by phenylalanine, an amino acid with highly similar properties. This amino acid position is conserved. In addition, this alteration is predicted to be tolerated by in silico analysis. Based on the available evidence, the clinical significance of this variant remains unclear.

NM_006648.4(WNK2):c.1792C>T (p.Leu598Phe)

Gene: WNK2 (WNK lysine deficient protein kinase 2; plus strand). Cytogenetic location: 9q22.31.
Variant type: single nucleotide variant.
Coding change: c.1792C>T on transcript NM_006648.4 (MANE Select); coding-DNA position 1792, C replaced by T.
Protein change: p.Leu598Phe; replaces leucine 598 with phenylalanine.
Molecular consequence: missense variant.
Genome position (GRCh38, 1-based): chr9:93,247,792, C>T. VCF-style: chr9-93247792-C-T. GRCh37 (hg19) VCF-style: chr9-96010074-C-T.
Other names: c.1792C>T, p.Leu598Phe (NM_001282394.3); short protein forms L598F.
Identifiers: ClinVar variation 4826206 (VCV004826206.1).